The following is an entry in ClinVar:

NM_001009944.3(PKD1):c.8791+19G>T

Gene: PKD1 (polycystin 1, transient receptor potential channel interacting; minus strand). Cytogenetic location: 16p13.3.
Variant type: single nucleotide variant.
Coding change: c.8791+19G>T on transcript NM_001009944.3 (MANE Select); 19 bases into the intron after coding-DNA position 8791, G replaced by T.
Molecular consequence: intron variant.
Genome position (GRCh38, 1-based): chr16:2,103,247, C>A on the plus strand (G>T on the coding strand, the complement: PKD1 is on the minus strand). VCF-style: chr16-2103247-C-A. GRCh37 (hg19) VCF-style: chr16-2153248-C-A.
Other names: c.8791+19G>T (NM_000296.4).
Identifiers: ClinVar variation 4532216 (VCV004532216.1).

ClinVar aggregate classification (germline): Uncertain significance (1 of 4 stars; one submission).

Conditions:
Polycystic kidney disease, adult type (PKD1). Also called: Polycystic Kidney, Autosomal Dominant; POLYCYSTIC KIDNEY DISEASE, ADULT, TYPE I; Polycystic Kidney Disease 1, Autosomal Dominant; Polycystic kidney disease 1; Polycystic kidney disease 1, severe; POLYCYSTIC KIDNEY DISEASE 1 WITH OR WITHOUT POLYCYSTIC LIVER DISEASE. Identifiers: MedGen C3149841, MONDO:0008263, OMIM 173900.

Submission:

MVZ Medizinische Genetik Mainz
Classification: Uncertain significance for Polycystic kidney disease, adult type. Last evaluated: 2025-11-07. Review status: criteria provided, single submitter. Criteria: UK Practice Guidelines For Variant Classification V4 01 2020. Collection method: clinical testing. Allele origin: germline. Inheritance: Autosomal dominant inheritance. Affected: yes. Observed: 1 variant allele.
Comment: ACMG Criteria: PM2_SUP,PP3,PP4